The following is an entry in ClinVar:

ClinVar aggregate classification (germline): Benign/Likely benign. Review status: criteria provided, multiple submitters, no conflicts (2 of 4 stars). 2 submissions from 2 submitters: Benign (1); Likely benign (1). Last evaluated 2025-02-20.

Conditions:
Breast-ovarian cancer, familial, susceptibility to, 4. Identifiers: Orphanet 145, MedGen C3280345, MONDO:0013669, OMIM 614291.
Hereditary cancer-predisposing syndrome. Also called: Neoplastic Syndromes, Hereditary; Tumor predisposition; Hereditary Cancer Syndrome; Hereditary neoplastic syndrome. Identifiers: Orphanet 140162, MedGen C0027672, MeSH D009386, MONDO:0015356.

Submissions (2):

Myriad Genetics, Inc.
Classification: Benign for Breast-ovarian cancer, familial, susceptibility to, 4. Last evaluated: 2025-02-20. Review status: criteria provided, single submitter. Criteria: Myriad Autosomal Dominant, Autosomal Recessive and X-Linked Classification Criteria (2023). Collection method: clinical testing. Allele origin: unknown.
Comment: This variant is considered benign. This variant is a silent/synonymous amino acid change and it is not expected to impact splicing.

Ambry Genetics
Classification: Likely benign for Hereditary cancer-predisposing syndrome. Last evaluated: 2024-10-17. Review status: criteria provided, single submitter. Criteria: Ambry Variant Classification Scheme 2023. Collection method: clinical testing. Allele origin: germline.

NM_002878.4(RAD51D):c.207T>C (p.Ala69=)

Genes: RAD51L3-RFFL (RAD51L3-RFFL readthrough; minus strand), RAD51D (RAD51 paralog D; minus strand). Cytogenetic location: 17q12.
Variant type: single nucleotide variant.
Coding change: c.207T>C on transcript NM_002878.4 (MANE Select); coding-DNA position 207, T replaced by C.
Protein change: p.Ala69=; no amino-acid change (alanine 69 retained).
Molecular consequence: synonymous variant. On other transcripts: intron variant (2).
Genome position (GRCh38, 1-based): chr17:35,118,557, A>G on the plus strand (T>C on the coding strand, the complement: RAD51D is on the minus strand). VCF-style: chr17-35118557-A-G. GRCh37 (hg19) VCF-style: chr17-33445576-A-G.
Other names: c.144+554T>C (NM_133629.3, NM_001142571.2).
Identifiers: ClinVar variation 3429750 (VCV003429750.2).